The following is an entry in ClinVar:

NM_152743.4(BRAT1):c.530G>C (p.Arg177Pro)

Gene: BRAT1 (BRCA1 associated ATM activator 1; minus strand). Cytogenetic location: 7p22.3.
Variant type: single nucleotide variant.
Coding change: c.530G>C on transcript NM_152743.4 (MANE Select); coding-DNA position 530, G replaced by C.
Protein change: p.Arg177Pro; replaces arginine 177 with proline.
Molecular consequence: missense variant. On other transcripts: non-coding transcript variant (1).
Genome position (GRCh38, 1-based): chr7:2,543,863, C>G on the plus strand (G>C on the coding strand, the complement: BRAT1 is on the minus strand). VCF-style: chr7-2543863-C-G. GRCh37 (hg19) VCF-style: chr7-2583497-C-G.
Other names: c.530G>C, p.Arg177Pro (NM_001350626.2); c.5G>C, p.Arg2Pro (NM_001350627.2); short protein forms R2P, R177P.
Identifiers: ClinVar variation 1387763 (VCV001387763.8), dbSNP rs571634693, ClinGen allele CA4128174.

ClinVar aggregate classification (germline): Uncertain significance (1 of 4 stars; one submission).

Conditions:
Neonatal-onset encephalopathy with rigidity and seizures. Also called: Lethal neonatal spasticity-epileptic encephalopathy syndrome. Identifiers: Orphanet 435845, MedGen C3281029, MONDO:0013784, OMIM 614498.

Allele frequency attached by ClinVar (database versions not stated): gnomAD 0.00001; gnomAD exomes 0.00001; ExAC 0.00002; 1000 Genomes Project 30x 0.00016; 1000 Genomes Project 0.00020.
gnomAD v4.1: 3 of 1,612,818 alleles (0.00019%); highest among the groups gnomAD compares: East Asian, 0.0022%; no homozygotes.

Submission:

Labcorp Genetics (formerly Invitae), Labcorp
Classification: Uncertain significance for Neonatal-onset encephalopathy with rigidity and seizures. Last evaluated: 2020-12-24. Review status: criteria provided, single submitter. Criteria: Invitae Variant Classification Sherloc (09022015). Collection method: clinical testing. Allele origin: germline.
Comment: In summary, the available evidence is currently insufficient to determine the role of this variant in disease. Therefore, it has been classified as a Variant of Uncertain Significance. Algorithms developed to predict the effect of sequence changes on RNA splicing suggest that this variant may create or strengthen a splice site, but this prediction has not been confirmed by published transcriptional studies. Algorithms developed to predict the effect of missense changes on protein structure and function (SIFT, PolyPhen-2, Align-GVGD) all suggest that this variant is likely to be tolerated, but these predictions have not been confirmed by published functional studies and their clinical significance is uncertain. This sequence change replaces arginine with proline at codon 177 of the BRAT1 protein (p.Arg177Pro). The arginine residue is weakly conserved and there is a moderate physicochemical difference between arginine and proline. This variant is present in population databases (rs571634693, ExAC 0.01%). This variant has not been reported in the literature in individuals with BRAT1-related conditions.